The following is an entry in ClinVar:

ClinVar aggregate classification (germline): Uncertain significance. Review status: criteria provided, multiple submitters, no conflicts (2 of 4 stars). 2 submissions from 2 submitters: Uncertain significance (2). Last evaluated 2025-06-12.

gnomAD v4.1: 93 of 1,613,542 alleles (0.0058%); highest among the groups gnomAD compares: African/African-American, 0.048%; no homozygotes.

Submissions (2):

Labcorp Genetics (formerly Invitae), Labcorp
Classification: Uncertain significance. Last evaluated: 2025-06-12. Review status: criteria provided, single submitter. Criteria: Invitae Variant Classification Sherloc (09022015). Collection method: clinical testing. Allele origin: germline.
Comment: This sequence change replaces valine, which is neutral and non-polar, with methionine, which is neutral and non-polar, at codon 1312 of the DISP1 protein (p.Val1312Met). This variant is present in population databases (rs147445335, gnomAD 0.07%). This variant has not been reported in the literature in individuals affected with DISP1-related conditions. ClinVar contains an entry for this variant (Variation ID: 3272159). An algorithm developed to predict the effect of missense changes on protein structure and function outputs the following: PolyPhen-2: "Benign". The methionine amino acid residue is found in multiple mammalian species, which suggests that this missense change does not adversely affect protein function. In summary, the available evidence is currently insufficient to determine the role of this variant in disease. Therefore, it has been classified as a Variant of Uncertain Significance.

Ambry Genetics
Classification: Uncertain significance. Last evaluated: 2024-04-08. Review status: criteria provided, single submitter. Criteria: Ambry Variant Classification Scheme 2023. Collection method: clinical testing. Allele origin: germline.

NM_001377229.1(DISP1):c.3934G>A (p.Val1312Met)

Gene: DISP1 (dispatched RND transporter family member 1; plus strand). Cytogenetic location: 1q41.
Variant type: single nucleotide variant.
Coding change: c.3934G>A on transcript NM_001377229.1 (MANE Select); coding-DNA position 3934, G replaced by A.
Protein change: p.Val1312Met; replaces valine 1312 with methionine.
Molecular consequence: missense variant.
Genome position (GRCh38, 1-based): chr1:223,005,331, G>A. VCF-style: chr1-223005331-G-A. GRCh37 (hg19) VCF-style: chr1-223178673-G-A.
Other names: c.3205G>A, p.Val1069Met (NM_001350630.2); c.3934G>A, p.Val1312Met (NM_001369594.1, NM_001377228.1, NM_032890.5); short protein forms V1069M, V1312M.
Identifiers: ClinVar variation 3272159 (VCV003272159.3).